The following is an entry in ClinVar:

NM_000548.5(TSC2):c.5043C>T (p.Asn1681=)

Gene: TSC2 (TSC complex subunit 2; plus strand). Cytogenetic location: 16p13.3.
Variant type: single nucleotide variant.
Coding change: c.5043C>T on transcript NM_000548.5 (MANE Select); coding-DNA position 5043, C replaced by T.
Protein change: p.Asn1681=; no amino-acid change (asparagine 1681 retained).
Molecular consequence: synonymous variant.
Genome position (GRCh38, 1-based): chr16:2,087,916, C>T. VCF-style: chr16-2087916-C-T. GRCh37 (hg19) VCF-style: chr16-2137917-C-T.
Other names: c.5043C>T (NM_000548.4); c.4842C>T, p.Asn1614= (NM_001077183.3); c.4974C>T, p.Asn1658= (NM_001114382.3); c.4734C>T, p.Asn1578= (NM_001318827.2); c.4698C>T, p.Asn1566= (NM_001318829.2); c.4311C>T, p.Asn1437= (NM_001318831.2); c.4875C>T, p.Asn1625= (NM_001318832.2); c.4845C>T, p.Asn1615= (NM_001363528.2); and 2 more.
Identifiers: ClinVar variation 413745 (VCV000413745.13), dbSNP rs45476793, ClinGen allele CA053594.

ClinVar aggregate classification (germline): Benign/Likely benign. Review status: criteria provided, multiple submitters, no conflicts (2 of 4 stars). 4 submissions from 4 submitters: Benign (1); Likely benign (3). Last evaluated 2025-06-05.

Conditions:
Hereditary cancer-predisposing syndrome. Also called: Tumor predisposition; Neoplastic Syndromes, Hereditary; Hereditary Cancer Syndrome; Hereditary neoplastic syndrome. Identifiers: Orphanet 140162, MedGen C0027672, MeSH D009386, MONDO:0015356.
Tuberous sclerosis 2 (TSC2). Identifiers: Orphanet 805, MedGen C1860707, MONDO:0013199, OMIM 613254.

Allele frequency attached by ClinVar (database versions not stated): gnomAD below 0.00001 and 0.00001; gnomAD exomes below 0.00001; ExAC 0.00001; 1000 Genomes Project 30x 0.00016; 1000 Genomes Project 0.00020.
gnomAD v4.1: 7 of 1,611,458 alleles (0.00043%); highest among the groups gnomAD compares: South Asian, 0.0066%; no homozygotes.

Submissions (4):

Myriad Genetics, Inc.
Classification: Benign for Tuberous sclerosis 2. Last evaluated: 2025-06-05. Review status: criteria provided, single submitter. Criteria: Myriad Autosomal Dominant, Autosomal Recessive and X-Linked Classification Criteria (2023). Collection method: clinical testing. Allele origin: unknown.
Comment: This variant is considered benign. This variant is a silent/synonymous amino acid change and it is not expected to impact splicing.

Labcorp Genetics (formerly Invitae), Labcorp
Classification: Likely benign for Tuberous sclerosis 2. Last evaluated: 2025-02-02. Review status: criteria provided, single submitter. Criteria: Invitae Variant Classification Sherloc (09022015). Collection method: clinical testing. Allele origin: germline.

Ambry Genetics
Classification: Likely benign for Hereditary cancer-predisposing syndrome. Last evaluated: 2024-12-14. Review status: criteria provided, single submitter. Criteria: Ambry Variant Classification Scheme 2023. Collection method: clinical testing. Allele origin: germline.

KCCC/NGS Laboratory, Kuwait Cancer Control Center
Classification: Likely benign for Tuberous sclerosis 2. Last evaluated: 2023-07-07. Review status: criteria provided, single submitter. Criteria: ACMG Guidelines, 2015. Collection method: clinical testing. Allele origin: germline. Affected: yes.